The following is an entry in ClinVar:

NC_000007.13:g.(?_6048556)_(6049099_?)dup

Genes: AIMP2 (aminoacyl tRNA synthetase complex interacting multifunctional protein 2; plus strand), PMS2 (PMS1 homolog 2, mismatch repair system component; minus strand). Cytogenetic location: 7p22.1.
Variant type: Duplication.
Identifiers: ClinVar variation 1006871 (VCV001006871.1).

ClinVar aggregate classification (germline): Uncertain significance (1 of 4 stars; one submission).

Conditions:
Hereditary nonpolyposis colorectal neoplasms. Identifiers: MedGen C0009405, MeSH D003123.

Submission:

Labcorp Genetics (formerly Invitae), Labcorp
Classification: Uncertain significance for Hereditary nonpolyposis colorectal neoplasms. Last evaluated: 2020-08-23. Review status: criteria provided, single submitter. Criteria: Invitae Variant Classification Sherloc (09022015). Collection method: clinical testing. Allele origin: germline.
Comment: This variant results in a copy number gain of the genomic region encompassing exon(s) 1 of the PMS2 gene, which includes the initiator codon. The 5' end of this event is unknown as it extends beyond the assayed region for this gene and therefore may encompass additional genes. The 3' boundary is likely confined to intron 1 of the PMS2 gene. As the precise location of this event is unknown, it may be in tandem or it may be located elsewhere in the genome. This variant has not been reported in the literature in individuals with PMS2-related conditions. Experimental studies and prediction algorithms are not available or were not evaluated, and the functional significance of this variant is currently unknown. In summary, the available evidence is currently insufficient to determine the role of this variant in disease. Therefore, it has been classified as a Variant of Uncertain Significance.